The following is an entry in ClinVar:

ClinVar aggregate classification (germline): Pathogenic. Review status: criteria provided, multiple submitters, no conflicts (2 of 4 stars). 7 submissions from 7 submitters: Pathogenic (6). 1 of the submissions does not count toward it. Last evaluated 2025-08-04.

Conditions:
LOXHD1-related disorder. Also called: LOXHD1-related condition.
Autosomal recessive nonsyndromic hearing loss 77. Identifiers: Orphanet 90636, MedGen C2746083, MONDO:0013119, OMIM 613079.

Allele frequency attached by ClinVar (database versions not stated): TOPMed 0.00001; gnomAD exomes 0.00001; gnomAD 0.00001.
gnomAD v4.1: 15 of 1,551,720 alleles (0.00097%); highest among the groups gnomAD compares: South Asian, 0.0083%; no homozygotes.

Submissions (7):

Natera, Inc.
Classification: Pathogenic for Autosomal recessive deafness type 77. Last evaluated: 2025-08-04. Review status: criteria provided, single submitter. Criteria: Natera Variant Classification Schema (03/2026). Collection method: clinical testing. Allele origin: germline.
Comment: The c.2008C>T variant in LOXHD1 is a nonsense variant predicted to introduce a stop codon at amino acid 670. This variant is expected to result in nonsense mediated decay, truncation, or a dysfunctional protein product. This variant is rare in the general population with a frequency below the threshold expected for the associated phenotype(s). This variant has been observed in one or more individuals affected with the associated recessive disease, as either homozygous or compound heterozygous with a second variant (PMID: 19732867). Given the available evidence, this variant is classified as Pathogenic.

PreventionGenetics, part of Exact Sciences
Classification: Pathogenic for LOXHD1-related condition. Last evaluated: 2024-12-30. Review status: criteria provided, single submitter. Criteria: ACMG Guidelines, 2015. Collection method: clinical testing. Allele origin: germline.
Comment: The LOXHD1 c.2008C>T variant is predicted to result in premature protein termination (p.Arg670*). This variant has been reported to segregate with disease in the homozygous state in a consanguineous kindred with progressive hearing loss (Grillet et al. 2009. PubMed ID: 19732867). This variant is reported in 0.0044% of alleles in individuals of South Asian descent in gnomAD. Nonsense variants in LOXHD1 are expected to be pathogenic, and this variant has been classified as pathogenic by multiple independent submitters to the ClinVar database. Given the evidence, we interpret c.2008C>T (p.Arg670*) as pathogenic.

Myriad Genetics, Inc.
Classification: Pathogenic for Autosomal recessive nonsyndromic hearing loss 77. Last evaluated: 2024-05-14. Review status: criteria provided, single submitter. Criteria: Myriad Autosomal Dominant, Autosomal Recessive and X-Linked Classification Criteria (2023). Collection method: clinical testing. Allele origin: unknown.
Comment: NM_144612.6(LOXHD1):c.2008C>T(R670*) is expected to be pathogenic in the context of nonsyndromic hearing loss, LOXHD1-related. This variant is predicted to lead to an abnormal or absent protein product due to the creation of a premature termination codon in LOXHD1, a gene where loss-of-function variants are known to be pathogenic. Please note: this variant was assessed in the context of healthy population screening.

GeneDx
Classification: Pathogenic. Last evaluated: 2023-12-04. Review status: criteria provided, single submitter. Criteria: GeneDx Variant Classification Process June 2021. Collection method: clinical testing. Allele origin: germline. Affected: yes.
Comment: Nonsense variant predicted to result in protein truncation or nonsense mediated decay in a gene for which loss of function is a known mechanism of disease; This variant is associated with the following publications: (PMID: 25525159, 31589614, 32149082, 26973026, 22341973, 19732867)

Labcorp Genetics (formerly Invitae), Labcorp
Classification: Pathogenic. Last evaluated: 2023-10-12. Review status: criteria provided, single submitter. Criteria: Invitae Variant Classification Sherloc (09022015). Collection method: clinical testing. Allele origin: germline.
Comment: This sequence change creates a premature translational stop signal (p.Arg670*) in the LOXHD1 gene. It is expected to result in an absent or disrupted protein product. Loss-of-function variants in LOXHD1 are known to be pathogenic (PMID: 19732867, 21465660, 25792669). This variant is present in population databases (rs121918370, gnomAD 0.004%). This premature translational stop signal has been observed in individual(s) with hearing loss (PMID: 19732867). It has also been observed to segregate with disease in related individuals. ClinVar contains an entry for this variant (Variation ID: 395). Algorithms developed to predict the effect of sequence changes on RNA splicing suggest that this variant may disrupt the consensus splice site. For these reasons, this variant has been classified as Pathogenic.

Eurofins Ntd Llc (ga)
Classification: Pathogenic. Last evaluated: 2016-09-12. Review status: criteria provided, single submitter. Criteria: EGL Classification Definitions 2015. Collection method: clinical testing. Allele origin: germline. Observed: 2 variant alleles, 2 heterozygotes.

OMIM
Classification: Pathogenic for DEAFNESS, AUTOSOMAL RECESSIVE 77. Last evaluated: 2009-09-01. Review status: no assertion criteria provided. Collection method: literature only. Allele origin: germline. Not counted in ClinVar's aggregate classification.

Literature cited by the submitters: PubMed 19732867 (cited by 3 submitters); PubMed 21465660 (cited by Labcorp Genetics (formerly Invitae), Labcorp); PubMed 25792669 (cited by Labcorp Genetics (formerly Invitae), Labcorp).

NM_001384474.1(LOXHD1):c.2008C>T (p.Arg670Ter)

Gene: LOXHD1 (lipoxygenase homology PLAT domains 1; minus strand). Cytogenetic location: 18q21.1.
Variant type: single nucleotide variant.
Coding change: c.2008C>T on transcript NM_001384474.1 (MANE Select); coding-DNA position 2008, C replaced by T.
Protein change: p.Arg670Ter; replaces arginine 670 with a stop codon.
Molecular consequence: nonsense.
Genome position (GRCh38, 1-based): chr18:46,572,125, G>A on the plus strand (C>T on the coding strand, the complement: LOXHD1 is on the minus strand). VCF-style: chr18-46572125-G-A. GRCh37 (hg19) VCF-style: chr18-44152088-G-A.
Other names: c.2008C>T, p.Arg670Ter (NM_144612.7); short protein forms R670*.
Identifiers: ClinVar variation 395 (VCV000000395.17), dbSNP rs121918370, ClinGen allele CA251486.